The following is an entry in ClinVar:

NM_002691.4(POLD1):c.2633T>A (p.Ile878Asn)

Gene: POLD1 (DNA polymerase delta 1, catalytic subunit; plus strand). Cytogenetic location: 19q13.33.
Variant type: single nucleotide variant.
Coding change: c.2633T>A on transcript NM_002691.4 (MANE Select); coding-DNA position 2633, T replaced by A.
Protein change: p.Ile878Asn; replaces isoleucine 878 with asparagine.
Molecular consequence: missense variant. On other transcripts: non-coding transcript variant (1).
Genome position (GRCh38, 1-based): chr19:50,415,506, T>A. VCF-style: chr19-50415506-T-A. GRCh37 (hg19) VCF-style: chr19-50918763-T-A.
Other names: c.2633T>A, p.Ile878Asn (NM_001256849.1); c.2711T>A, p.Ile904Asn (NM_001308632.1); short protein forms I878N, I904N.
Identifiers: ClinVar variation 1794087 (VCV001794087.4), dbSNP rs2039247081, ClinGen allele CA406985497.

ClinVar aggregate classification (germline): Uncertain significance. Review status: criteria provided, multiple submitters, no conflicts (2 of 4 stars). 2 submissions from 2 submitters: Uncertain significance (2). Last evaluated 2024-09-12.

Conditions:
POLD1-related polyposis and colorectal cancer syndrome (CRCS10). Also called: Colorectal cancer 10; COLORECTAL CANCER, SUSCEPTIBILITY TO, ON CHROMOSOME 19q; Colorectal cancer, susceptibility to, 10. Identifiers: Orphanet 220460, MedGen C2675481, MONDO:0012953, OMIM 612591.
Hereditary cancer-predisposing syndrome. Also called: Tumor predisposition; Hereditary Cancer Syndrome; Hereditary neoplastic syndrome; Neoplastic Syndromes, Hereditary. Identifiers: Orphanet 140162, MedGen C0027672, MeSH D009386, MONDO:0015356.

Submissions (2):

Labcorp Genetics (formerly Invitae), Labcorp
Classification: Uncertain significance for POLD1-related polyposis and colorectal cancer syndrome. Last evaluated: 2024-09-12. Review status: criteria provided, single submitter. Criteria: Invitae Variant Classification Sherloc (09022015). Collection method: clinical testing. Allele origin: germline.
Comment: This sequence change replaces isoleucine, which is neutral and non-polar, with asparagine, which is neutral and polar, at codon 878 of the POLD1 protein (p.Ile878Asn). This variant is not present in population databases (gnomAD no frequency). This variant has not been reported in the literature in individuals affected with POLD1-related conditions. ClinVar contains an entry for this variant (Variation ID: 1794087). Invitae Evidence Modeling of protein sequence and biophysical properties (such as structural, functional, and spatial information, amino acid conservation, physicochemical variation, residue mobility, and thermodynamic stability) indicates that this missense variant is not expected to disrupt POLD1 protein function with a negative predictive value of 80%. In summary, the available evidence is currently insufficient to determine the role of this variant in disease. Therefore, it has been classified as a Variant of Uncertain Significance.

Ambry Genetics
Classification: Uncertain significance for Hereditary cancer-predisposing syndrome. Last evaluated: 2021-06-28. Review status: criteria provided, single submitter. Criteria: Ambry Variant Classification Scheme 2023. Collection method: clinical testing. Allele origin: germline.
Comment: The p.I878N variant (also known as c.2633T>A), located in coding exon 20 of the POLD1 gene, results from a T to A substitution at nucleotide position 2633. The isoleucine at codon 878 is replaced by asparagine, an amino acid with dissimilar properties. This amino acid position is conserved. In addition, the in silico prediction for this alteration is inconclusive. Since supporting evidence is limited at this time, the clinical significance of this alteration remains unclear.